The following is an entry in ClinVar:

NM_000051.4(ATM):c.6077T>C (p.Met2026Thr)

Genes: ATM (ATM serine/threonine kinase; plus strand), C11orf65 (chromosome 11 open reading frame 65; minus strand). Cytogenetic location: 11q22.3.
Variant type: single nucleotide variant.
Coding change: c.6077T>C on transcript NM_000051.4 (MANE Select); coding-DNA position 6077, T replaced by C.
Protein change: p.Met2026Thr; replaces methionine 2026 with threonine.
Molecular consequence: missense variant. On other transcripts: intron variant (2).
Genome position (GRCh38, 1-based): chr11:108,315,893, T>C. VCF-style: chr11-108315893-T-C. GRCh37 (hg19) VCF-style: chr11-108186620-T-C.
Other names: c.6077T>C, p.Met2026Thr (NM_001351834.2); c.641-6822A>G (NM_001330368.2); c.*39-6822A>G (NM_001351110.2); short protein forms M2026T.
Identifiers: ClinVar variation 1464001 (VCV001464001.8), dbSNP rs2136121082, ClinGen allele CA382550129.

ClinVar aggregate classification (germline): Uncertain significance (1 of 4 stars; one submission).

Conditions:
Ataxia-telangiectasia syndrome (AT). Also called: LOUIS-BAR SYNDROME; Cerebello-oculocutaneous telangiectasia; Immunodeficiency with ataxia telangiectasia; Ataxia telangiectasia (A-T); Ataxia-telangiectasia, complementation group D; AT, COMPLEMENTATION GROUP C. Identifiers: Orphanet 100, MedGen C0004135, MONDO:0008840, OMIM 208900.

Submission:

Labcorp Genetics (formerly Invitae), Labcorp
Classification: Uncertain significance for Ataxia-telangiectasia syndrome. Last evaluated: 2024-05-22. Review status: criteria provided, single submitter. Criteria: Invitae Variant Classification Sherloc (09022015). Collection method: clinical testing. Allele origin: germline.
Comment: This sequence change replaces methionine, which is neutral and non-polar, with threonine, which is neutral and polar, at codon 2026 of the ATM protein (p.Met2026Thr). This variant is not present in population databases (gnomAD no frequency). This variant has not been reported in the literature in individuals affected with ATM-related conditions. ClinVar contains an entry for this variant (Variation ID: 1464001). An algorithm developed to predict the effect of missense changes on protein structure and function (PolyPhen-2) suggests that this variant is likely to be tolerated. In summary, the available evidence is currently insufficient to determine the role of this variant in disease. Therefore, it has been classified as a Variant of Uncertain Significance.